The following is an entry in ClinVar:

ClinVar aggregate classification (germline): Pathogenic/Likely pathogenic. Review status: criteria provided, multiple submitters, no conflicts (2 of 4 stars). 3 submissions from 3 submitters: Pathogenic (2); Likely pathogenic (1). Last evaluated 2024-03-21.

Conditions:
RPE65-related disorder. Also called: RPE65-related condition; RPE65-related disorders. Identifiers: MedGen CN239301.
Leber congenital amaurosis (LCA). Also called: Leber's amaurosis. Identifiers: Orphanet 65, MedGen C0339527, MeSH D057130, MONDO:0018998.
Retinitis pigmentosa 20 (RP20). Identifiers: Orphanet 791, MedGen C3151086, MONDO:0013425, OMIM 613794.
Leber congenital amaurosis 2 (LCA2). Also called: AMAUROSIS CONGENITA OF LEBER II; Autosomal Recessive RPE65-Related Retinal Degeneration. Identifiers: Orphanet 65, MedGen C1859844, MONDO:0008765, OMIM 204100. Disease mechanism: loss of function.

Allele frequency attached by ClinVar (database versions not stated): gnomAD 0.00001.
gnomAD v4.1: 3 of 1,613,430 alleles (0.00019%); highest among the groups gnomAD compares: African/African-American, 0.004%; no homozygotes.

Submissions (3):

Natera, Inc.
Classification: Pathogenic for Leber congenital amaurosis. Last evaluated: 2024-03-21. Review status: criteria provided, single submitter. Criteria: Natera Variant Classification Schema (03/2026). Collection method: clinical testing. Allele origin: germline.
Comment: The c.644-2A>C variant in RPE65 is a canonical splice acceptor site variant predicted to affect pre-mRNA splicing, which may result in an abnormal transcript and altered protein product. This variant is expected to result in nonsense mediated decay, truncation, or a dysfunctional protein product. This variant is rare in the general population with a frequency below the threshold expected for the associated phenotype(s). Another variant at this same site results in an alteration predicted to cause a similar molecular effect has been observed in individual(s) with the associated phenotype. Given the available evidence, this variant is classified as Pathogenic.

Labcorp Genetics (formerly Invitae), Labcorp
Classification: Pathogenic for Leber congenital amaurosis 2; Retinitis pigmentosa 20. Last evaluated: 2022-08-20. Review status: criteria provided, single submitter. Criteria: Invitae Variant Classification Sherloc (09022015). Collection method: clinical testing. Allele origin: germline.
Comment: This variant is present in population databases (no rsID available, gnomAD 0.01%). For these reasons, this variant has been classified as Pathogenic. Algorithms developed to predict the effect of sequence changes on RNA splicing suggest that this variant may disrupt the consensus splice site. ClinVar contains an entry for this variant (Variation ID: 1416497). Disruption of this splice site has been observed in individuals with clinical features of inherited retinal dystrophy (PMID: 9501220; Invitae). This sequence change affects an acceptor splice site in intron 6 of the RPE65 gene. It is expected to disrupt RNA splicing. Variants that disrupt the donor or acceptor splice site typically lead to a loss of protein function (PMID: 16199547), and loss-of-function variants in RPE65 are known to be pathogenic (PMID: 9326941, 9501220, 9843205, 18632300).

Blueprint Genetics
Classification: Likely pathogenic for RPE65-related disorders. Last evaluated: 2021-09-15. Review status: criteria provided, single submitter. Criteria: ACMG Guidelines, 2015. Collection method: clinical testing. Allele origin: germline. Affected: yes. Observed: 1 variant allele.

Literature cited by the submitters: PubMed 9501220 (cited by Labcorp Genetics (formerly Invitae), Labcorp); PubMed 16199547 (cited by Labcorp Genetics (formerly Invitae), Labcorp); PubMed 9326941 (cited by Labcorp Genetics (formerly Invitae), Labcorp); PubMed 9843205 (cited by Labcorp Genetics (formerly Invitae), Labcorp); PubMed 18632300 (cited by Labcorp Genetics (formerly Invitae), Labcorp).

NM_000329.3(RPE65):c.644-2A>C

Gene: RPE65 (retinoid isomerohydrolase RPE65; minus strand). Cytogenetic location: 1p31.3.
Variant type: single nucleotide variant.
Coding change: c.644-2A>C on transcript NM_000329.3 (MANE Select); the canonical splice acceptor site of the intron before coding-DNA position 644, A replaced by C.
Molecular consequence: splice acceptor variant.
Genome position (GRCh38, 1-based): chr1:68,439,644, T>G on the plus strand (A>C on the coding strand, the complement: RPE65 is on the minus strand). VCF-style: chr1-68439644-T-G. GRCh37 (hg19) VCF-style: chr1-68905327-T-G.
Other names: c.368-2A>C (NM_001406857.1, NM_001406856.1); c.536-2A>C (NM_001406853.1); c.644-2A>C (NM_001406859.1, NM_000329.2).
Identifiers: ClinVar variation 1416497 (VCV001416497.8), dbSNP rs61752891, ClinGen allele CA340746085.
Genomic context (GRCh38, chr1:68,439,644, plus strand): 5'-TCGGTCACTGCAGGGGAATTGTACAACGATCTCTGACTTGCTTATTGGATCTTCCTTGTC[T>G]GAAATAAAGTGGTTTTAAAAGGCTTTGGAAGAGCCTCTTATTTTTTTTTTAATACAAAGC-3'